The following is an entry in ClinVar:

NM_018139.3(DNAAF2):c.1309G>T (p.Glu437Ter)

Genes: DNAAF2 (dynein axonemal assembly factor 2; minus strand), LOC130055542 (ATAC-STARR-seq lymphoblastoid silent region 5699; plus strand). Cytogenetic location: 14q21.3.
Variant type: single nucleotide variant.
Coding change: c.1309G>T on transcript NM_018139.3 (MANE Select); coding-DNA position 1309, G replaced by T.
Protein change: p.Glu437Ter; replaces glutamic acid 437 with a stop codon.
Molecular consequence: nonsense. On other transcripts: 5 prime UTR variant (1).
Genome position (GRCh38, 1-based): chr14:49,633,841, C>A on the plus strand (G>T on the coding strand, the complement: DNAAF2 is on the minus strand). VCF-style: chr14-49633841-C-A. GRCh37 (hg19) VCF-style: chr14-50100559-C-A.
Other names: c.1309G>T, p.Glu437Ter (NM_001083908.2); c.-563G>T (NM_001378453.1); short protein forms E437*.
Identifiers: ClinVar variation 2109489 (VCV002109489.4), dbSNP rs1185151033, ClinGen allele CA389628073.

ClinVar aggregate classification (germline): Pathogenic (1 of 4 stars; one submission).

Conditions:
Primary ciliary dyskinesia. Also called: Ciliary dyskinesia. Identifiers: Orphanet 244, MedGen C0008780, MONDO:0016575, HP:0012265.

gnomAD v4.1: 1 of 1,566,910 alleles (0.000064%); highest among the groups gnomAD compares: Non-Finnish European, 0.000086%; no homozygotes.

Submission:

Labcorp Genetics (formerly Invitae), Labcorp
Classification: Pathogenic for Primary ciliary dyskinesia. Last evaluated: 2024-10-29. Review status: criteria provided, single submitter. Criteria: Invitae Variant Classification Sherloc (09022015). Collection method: clinical testing. Allele origin: germline.
Comment: This sequence change creates a premature translational stop signal (p.Glu437*) in the DNAAF2 gene. It is expected to result in an absent or disrupted protein product. Loss-of-function variants in DNAAF2 are known to be pathogenic (PMID: 19052621, 24498942). This variant is not present in population databases (gnomAD no frequency). This variant has not been reported in the literature in individuals affected with DNAAF2-related conditions. ClinVar contains an entry for this variant (Variation ID: 2109489). For these reasons, this variant has been classified as Pathogenic.

Literature cited by the submitters: PubMed 19052621; PubMed 24498942.